The following is an entry in ClinVar:

NM_032228.6(FAR1):c.658G>A (p.Ala220Thr)

Gene: FAR1 (fatty acyl-CoA reductase 1; plus strand). Cytogenetic location: 11p15.3.
Variant type: single nucleotide variant.
Coding change: c.658G>A on transcript NM_032228.6 (MANE Select); coding-DNA position 658, G replaced by A.
Protein change: p.Ala220Thr; replaces alanine 220 with threonine.
Molecular consequence: missense variant.
Genome position (GRCh38, 1-based): chr11:13,710,805, G>A. VCF-style: chr11-13710805-G-A. GRCh37 (hg19) VCF-style: chr11-13732352-G-A.
Other names: short protein forms A220T.
Identifiers: ClinVar variation 2852938 (VCV002852938.3), dbSNP rs2500132682, ClinGen allele CA379857399.

ClinVar aggregate classification (germline): Uncertain significance (1 of 4 stars; one submission).

Submission:

Labcorp Genetics (formerly Invitae), Labcorp
Classification: Uncertain significance. Last evaluated: 2023-05-09. Review status: criteria provided, single submitter. Criteria: Invitae Variant Classification Sherloc (09022015). Collection method: clinical testing. Allele origin: germline.
Comment: This sequence change replaces alanine, which is neutral and non-polar, with threonine, which is neutral and polar, at codon 220 of the FAR1 protein (p.Ala220Thr). This variant is not present in population databases (gnomAD no frequency). This variant has not been reported in the literature in individuals affected with FAR1-related conditions. Advanced modeling of protein sequence and biophysical properties (such as structural, functional, and spatial information, amino acid conservation, physicochemical variation, residue mobility, and thermodynamic stability) performed at Invitae indicates that this missense variant is not expected to disrupt FAR1 protein function. In summary, the available evidence is currently insufficient to determine the role of this variant in disease. Therefore, it has been classified as a Variant of Uncertain Significance.